The following is an entry in ClinVar:

NM_175914.5(HNF4A):c.826+30dup

Gene: HNF4A (hepatocyte nuclear factor 4 alpha; plus strand). Cytogenetic location: 20q13.12.
Variant type: Duplication.
Coding change: c.826+30dup on transcript NM_175914.5 (MANE Select); 30 bases into the intron after coding-DNA position 826, one base duplicated (G; older notation c.826+30dupG).
Molecular consequence: intron variant.
Genome position (GRCh38, 1-based): chr20:44,419,906, G duplicated. VCF-style (leftmost placement, unchanged base first): chr20-44419905-T-TG. GRCh37 (hg19) VCF-style: chr20-43048545-T-TG.
Other names: c.817+30dup (NM_001287182.2, NM_001287183.2, NM_001287184.2); c.826+30dup (NM_001030003.3, NM_001030004.3); c.871+30dup (NM_001258355.2); c.892+30dup (NM_178849.3, NM_000457.6, NM_178850.3).
Identifiers: ClinVar variation 36361 (VCV000036361.5), dbSNP rs193922478, ClinGen allele CA213988.
Genomic context (GRCh38, chr20:44,419,905, plus strand): 5'-CTACCTCAAAGCCATCATCTTCTTTGACCCAGGTACAGTGCACACCTCCTAAGCCATCCC[T>TG]GACTCTCTCTCCAGAACGCTCTGCCAGACTTCTCCTATTGGGTTCTGTACACTGAGTTCA-3'

ClinVar aggregate classification (germline): Benign. Review status: reviewed by expert panel (3 of 4 stars). 3 submissions from 3 submitters: Benign (1). 2 of the submissions do not count toward it. Last evaluated 2024-12-02.

Conditions:
Monogenic diabetes. Identifiers: Orphanet 183625, MedGen C3888631, MONDO:0015967.
Maturity-onset diabetes of the young (MODY). Also called: Maturity onset diabetes mellitus in young. Identifiers: Orphanet 552, MedGen C0342276, MONDO:0018911, HP:0004904.
Maturity-onset diabetes of the young type 1. Also called: MILD JUVENILE DIABETES MELLITUS; MODY, type I; MODY type 1; Diabetes mellitus MODY type 1; MODY HNF4A related; HNF4A-Related Maturity-Onset Diabetes of the Young Type 1. Identifiers: Orphanet 552, MedGen C1852093, MONDO:0007452, OMIM 125850. Disease mechanism: loss of function.

Allele frequency attached by ClinVar (database versions not stated): gnomAD exomes 0.00003 and 0.00007; ExAC 0.00007; gnomAD 0.00027 and 0.00031; TOPMed 0.00037; ESP Exome Variant Server 0.00064.

Submissions (3):

ClinGen Monogenic Diabetes Variant Curation Expert Panel
Classification: Benign for Monogenic diabetes. Last evaluated: 2024-12-02. Review status: reviewed by expert panel. Criteria: ClinGen Diabetes ACMG Specifications HNF4A V2.0.0. Collection method: curation. Allele origin: germline. Inheritance: Autosomal dominant inheritance.
Comment: The c.826+30dup variant in the HNF4 homeobox A gene, HNF4A, is a single nucleotide insertion within intron 7 of NM_175914.5. This variant was identified in an individual with a clinical history suggestive of HNF4A-MODY (neonatal hypoglycemia that is responsive to diazoxide and negative genetic testing for ABCC8, KCNJ11, HNF1A, GLUD1, and HADH) (PP4; internal lab contributors). However, this variant has a Grpmax Filtering allele frequency in gnomAD 2.1.1 of 0.0005686, which is greater than the MDEP threshold for BA1 (0.0001) (BA1). In summary, c.826+30dup meets the criteria to be classified as benign for monogenic diabetes. ACMG/AMP criteria applied, as specified by the ClinGen MDEP (specification version 2.0.0, approved 10/11/2023): BA1, PP4.

Women's Health and Genetics/Laboratory Corporation of America, LabCorp
Classification: Uncertain significance for MODY1. Last evaluated: 2011-08-18. Review status: criteria provided, single submitter. Criteria: LabCorp Variant Classification Summary - May 2015. Collection method: curation, clinical testing. Allele origin: germline. Inheritance: autosomal unknown. Affected: yes. Not counted in ClinVar's aggregate classification.
ClinVar note: Converted during submission from uncertain to Uncertain significance.

Clinical Genomics, Uppaluri K&H Personalized Medicine Clinic
Classification: Uncertain significance for Maturity-onset diabetes of the young. Review status: criteria provided, single submitter. Criteria: K & H Uppaluri Personalized Medicine Clinic Variant Classification & Assertion Criteria_Updated V.1. Collection method: research. Allele origin: unknown. Inheritance: Autosomal dominant inheritance. Not counted in ClinVar's aggregate classification.
Comment: Potent mutations in HNF4A are associated with poor insulin secretion in response to hyperglycemia. Associated with MODY1. Patients initially respond well to sulfonylureas but eventually become insulin dependent. However, more evidence is required to ascertain the role of this particular variant rs193922478 in MODY, yet.

Literature cited by the submitters: DOI 10.1159/000334532 (cited by Clinical Genomics, Uppaluri K&H Personalized Medicine Clinic); PubMed 17563455 (cited by Clinical Genomics, Uppaluri K&H Personalized Medicine Clinic); PubMed 35052457 (cited by Clinical Genomics, Uppaluri K&H Personalized Medicine Clinic); PubMed 32583173 (cited by Clinical Genomics, Uppaluri K&H Personalized Medicine Clinic); PubMed 18268044 (cited by Clinical Genomics, Uppaluri K&H Personalized Medicine Clinic); PubMed 35118593 (cited by Clinical Genomics, Uppaluri K&H Personalized Medicine Clinic).